The following is an entry in ClinVar:

NM_001243925.2(MAPKAPK3):c.979C>A (p.His327Asn)

Gene: MAPKAPK3 (MAPK activated protein kinase 3; plus strand). Cytogenetic location: 3p21.2.
Variant type: single nucleotide variant.
Coding change: c.979C>A on transcript NM_001243925.2 (MANE Select); coding-DNA position 979, C replaced by A.
Protein change: p.His327Asn; replaces histidine 327 with asparagine.
Molecular consequence: missense variant.
Genome position (GRCh38, 1-based): chr3:50,647,186, C>A. VCF-style: chr3-50647186-C-A. GRCh37 (hg19) VCF-style: chr3-50684617-C-A.
Other names: c.979C>A, p.His327Asn (NM_001243926.2, NM_004635.5); short protein forms H327N.
Identifiers: ClinVar variation 1962930 (VCV001962930.5), dbSNP rs1262884842, ClinGen allele CA352937612.

ClinVar aggregate classification (germline): Uncertain significance (1 of 4 stars; one submission).

gnomAD v4.1: 1 of 1,593,882 alleles (0.000063%); no homozygotes.

Submission:

Labcorp Genetics (formerly Invitae), Labcorp
Classification: Uncertain significance. Last evaluated: 2022-10-07. Review status: criteria provided, single submitter. Criteria: Invitae Variant Classification Sherloc (09022015). Collection method: clinical testing. Allele origin: germline.
Comment: In summary, the available evidence is currently insufficient to determine the role of this variant in disease. Therefore, it has been classified as a Variant of Uncertain Significance. Algorithms developed to predict the effect of missense changes on protein structure and function are either unavailable or do not agree on the potential impact of this missense change (SIFT: "Deleterious"; PolyPhen-2: "Benign"; Align-GVGD: "Class C65"). This variant has not been reported in the literature in individuals affected with MAPKAPK3-related conditions. This variant is not present in population databases (gnomAD no frequency). This sequence change replaces histidine, which is basic and polar, with asparagine, which is neutral and polar, at codon 327 of the MAPKAPK3 protein (p.His327Asn).